The following is an entry in ClinVar:

NM_001253697.2(ERBIN):c.2639G>A (p.Gly880Glu)

Gene: ERBIN (erbb2 interacting protein; plus strand). Cytogenetic location: 5q12.3.
Variant type: single nucleotide variant.
Coding change: c.2639G>A on transcript NM_001253697.2 (MANE Select); coding-DNA position 2639, G replaced by A.
Protein change: p.Gly880Glu; replaces glycine 880 with glutamic acid.
Molecular consequence: missense variant.
Genome position (GRCh38, 1-based): chr5:66,053,957, G>A. VCF-style: chr5-66053957-G-A. GRCh37 (hg19) VCF-style: chr5-65349785-G-A.
Other names: c.2639G>A, p.Gly880Glu (NM_001006600.3, NM_001253698.2, NM_001253699.2 and 1 more transcripts); c.2627G>A, p.Gly876Glu (NM_001253701.2); short protein forms G880E, G876E.
Identifiers: ClinVar variation 1917277 (VCV001917277.5), dbSNP rs772523402, ClinGen allele CA359867310.

ClinVar aggregate classification (germline): Uncertain significance (1 of 4 stars; one submission).

Allele frequency attached by ClinVar (database versions not stated): TOPMed below 0.00001.
gnomAD v4.1: 8 of 1,614,048 alleles (0.0005%); highest among the groups gnomAD compares: East Asian, 0.0022%; no homozygotes.

Submission:

Labcorp Genetics (formerly Invitae), Labcorp
Classification: Uncertain significance. Last evaluated: 2022-08-23. Review status: criteria provided, single submitter. Criteria: Invitae Variant Classification Sherloc (09022015). Collection method: clinical testing. Allele origin: germline.
Comment: In summary, the available evidence is currently insufficient to determine the role of this variant in disease. Therefore, it has been classified as a Variant of Uncertain Significance. Algorithms developed to predict the effect of missense changes on protein structure and function output the following: SIFT: "Deleterious"; PolyPhen-2: "Benign"; Align-GVGD: "Class C0". The glutamic acid amino acid residue is found in multiple mammalian species, which suggests that this missense change does not adversely affect protein function. This variant has not been reported in the literature in individuals affected with ERBIN-related conditions. This variant is present in population databases (no rsID available, gnomAD 0.0009%). This sequence change replaces glycine, which is neutral and non-polar, with glutamic acid, which is acidic and polar, at codon 880 of the ERBIN protein (p.Gly880Glu).